The following is an entry in ClinVar:

ClinVar aggregate classification (germline): Uncertain significance (1 of 4 stars; one submission).

Submission:

Ambry Genetics
Classification: Uncertain significance. Last evaluated: 2025-09-25. Review status: criteria provided, single submitter. Criteria: Ambry Variant Classification Scheme 2023. Collection method: clinical testing. Allele origin: germline.
Comment: The p.F679C variant (also known as c.2036T>G), located in coding exon 13 of the GEN1 gene, results from a T to G substitution at nucleotide position 2036. The phenylalanine at codon 679 is replaced by cysteine, an amino acid with highly dissimilar properties. This amino acid position is conserved. In addition, this alteration is predicted to be tolerated by in silico analysis. Based on the available evidence, the clinical significance of this variant remains unclear.

NM_001130009.3(GEN1):c.2036T>G (p.Phe679Cys)

Gene: GEN1 (GEN1 structure-specific endonuclease; plus strand). Cytogenetic location: 2p24.2.
Variant type: single nucleotide variant.
Coding change: c.2036T>G on transcript NM_001130009.3 (MANE Select); coding-DNA position 2036, T replaced by G.
Protein change: p.Phe679Cys; replaces phenylalanine 679 with cysteine.
Molecular consequence: missense variant.
Genome position (GRCh38, 1-based): chr2:17,781,248, T>G. VCF-style: chr2-17781248-T-G. GRCh37 (hg19) VCF-style: chr2-17962515-T-G.
Other names: c.2036T>G, p.Phe679Cys (NM_182625.5); short protein forms F679C.
Identifiers: ClinVar variation 4671447 (VCV004671447.1).